The following is an entry in ClinVar:

NM_001394062.1(MACF1):c.1795G>C (p.Glu599Gln)

Gene: MACF1 (microtubule actin crosslinking factor 1; plus strand). Cytogenetic location: 1p34.3.
Variant type: single nucleotide variant.
Coding change: c.1795G>C on transcript NM_001394062.1 (MANE Select); coding-DNA position 1795, G replaced by C.
Protein change: p.Glu599Gln; replaces glutamic acid 599 with glutamine.
Molecular consequence: missense variant.
Genome position (GRCh38, 1-based): chr1:39,291,919, G>C. VCF-style: chr1-39291919-G-C. GRCh37 (hg19) VCF-style: chr1-39757591-G-C.
Other names: c.1810G>C, p.Glu604Gln (NM_012090.5); short protein forms E599Q, E604Q.
Identifiers: ClinVar variation 1700487 (VCV001700487.3), dbSNP rs2148399727, ClinGen allele CA339764626.

ClinVar aggregate classification (germline): Uncertain significance. Review status: criteria provided, multiple submitters, no conflicts (2 of 4 stars). 2 submissions from 2 submitters: Uncertain significance (2). Last evaluated 2026-03-16.

Conditions:
MACF1-related disorder. Also called: MACF1-related condition.

Submissions (2):

PreventionGenetics, part of Exact Sciences
Classification: Uncertain significance for MACF1-related condition. Last evaluated: 2026-03-16. Review status: criteria provided, single submitter. Criteria: ACMG Guidelines, 2015. Collection method: clinical testing. Allele origin: germline.
Comment: The MACF1 c.1810G>C variant is predicted to result in the amino acid substitution p.Glu604Gln. To our knowledge, this variant has not been reported in the literature or in a large population database (gnomAD), indicating this variant is rare. At this time, the clinical significance of this variant is uncertain due to the absence of conclusive functional and genetic evidence.

GeneDx
Classification: Uncertain significance. Last evaluated: 2022-02-08. Review status: criteria provided, single submitter. Criteria: GeneDx Variant Classification Process June 2021. Collection method: clinical testing. Allele origin: germline. Affected: yes.
Comment: Not observed at significant frequency in large population cohorts (gnomAD); In silico analysis supports that this missense variant has a deleterious effect on protein structure/function; Has not been previously published as pathogenic or benign to our knowledge